The following is an entry in ClinVar:

ClinVar aggregate classification (germline): Uncertain significance. Review status: criteria provided, multiple submitters, no conflicts (2 of 4 stars). 6 submissions from 6 submitters: Uncertain significance (5). 1 of the submissions does not count toward it. Last evaluated 2025-08-14.

Conditions:
Cystic fibrosis (CF). Also called: MUCOVISCIDOSIS. Identifiers: Orphanet 586, MedGen C0010674, MONDO:0009061, OMIM 219700. Disease mechanism: loss of function.
CFTR-related disorder (CFTR-RD). Also called: CFTR-related disorders; CFTR-related condition. Identifiers: MedGen C5924204, MONDO:7770004.

Allele frequency attached by ClinVar (database versions not stated): gnomAD exomes below 0.00001 and 0.00002; ExAC 0.00001; TOPMed 0.00001; gnomAD 0.00003; ESP Exome Variant Server 0.00008.
gnomAD v4.1: 25 of 1,546,370 alleles (0.0016%); highest among the groups gnomAD compares: Non-Finnish European, 0.0021%; no homozygotes.

Submissions (6):

PreventionGenetics, part of Exact Sciences
Classification: Uncertain significance for CFTR-related condition. Last evaluated: 2025-08-14. Review status: criteria provided, single submitter. Criteria: ACMG Guidelines, 2015. Collection method: clinical testing. Allele origin: germline.
Comment: The CFTR c.2982C>A variant is predicted to result in the amino acid substitution p.Phe994Leu. To our knowledge, this variant has not been reported in the literature. This variant is reported in 0.0040% of alleles in individuals of African descent in gnomAD. At this time, the clinical significance of this variant is uncertain due to the absence of conclusive functional and genetic evidence.

Ambry Genetics
Classification: Uncertain significance for Cystic fibrosis. Last evaluated: 2024-06-24. Review status: criteria provided, single submitter. Criteria: Ambry Variant Classification Scheme 2023. Collection method: clinical testing. Allele origin: germline.
Comment: The p.F994L variant (also known as c.2982C>A), located in coding exon 18 of the CFTR gene, results from a C to A substitution at nucleotide position 2982. The phenylalanine at codon 994 is replaced by leucine, an amino acid with highly similar properties. This amino acid position is well conserved in available vertebrate species. In addition, the in silico prediction for this alteration is inconclusive. Based on the available evidence, the clinical significance of this variant remains unclear.

Women's Health and Genetics/Laboratory Corporation of America, LabCorp
Classification: Uncertain significance. Last evaluated: 2022-01-22. Review status: criteria provided, single submitter. Criteria: LabCorp Variant Classification Summary - May 2015. Collection method: clinical testing. Allele origin: germline.
Comment: Variant summary: CFTR c.2982C>A (p.Phe994Leu) results in a non-conservative amino acid change located in the ABC transporter type 1, transmembrane domain (IPR011527) of the encoded protein sequence. Three of five in-silico tools predict a benign effect of the variant on protein function. The variant allele was found at a frequency of 4e-06 in 251092 control chromosomes. The available data on variant occurrences in the general population are insufficient to allow any conclusion about variant significance. To our knowledge, no occurrence of c.2982C>A in individuals affected with Cystic Fibrosis/CFTR-related disorders and no experimental evidence demonstrating its impact on protein function have been reported. Three clinical diagnostic laboratories have submitted clinical-significance assessments for this variant to ClinVar after 2014 without evidence for independent evaluation. All laboratories classified the variant as uncertain significance. Based on the evidence outlined above, the variant was classified as uncertain significance.

Genome-Nilou Lab
Classification: Uncertain significance for Cystic fibrosis. Last evaluated: 2021-09-05. Review status: criteria provided, single submitter. Criteria: ACMG Guidelines, 2015. Collection method: clinical testing. Allele origin: germline. Affected: no.

Labcorp Genetics (formerly Invitae), Labcorp
Classification: Uncertain significance for Cystic fibrosis. Last evaluated: 2021-08-27. Review status: criteria provided, single submitter. Criteria: Invitae Variant Classification Sherloc (09022015). Collection method: clinical testing. Allele origin: germline.
Comment: This sequence change replaces phenylalanine with leucine at codon 994 of the CFTR protein (p.Phe994Leu). The phenylalanine residue is moderately conserved and there is a small physicochemical difference between phenylalanine and leucine. This variant is present in population databases (rs373561883, ExAC 0.01%). This variant has not been reported in the literature in individuals affected with CFTR-related conditions. Algorithms developed to predict the effect of missense changes on protein structure and function (SIFT, PolyPhen-2, Align-GVGD) all suggest that this variant is likely to be tolerated. In summary, the available evidence is currently insufficient to determine the role of this variant in disease. Therefore, it has been classified as a Variant of Uncertain Significance.

Natera, Inc.
Classification: Uncertain significance for CFTR-related disorders. Last evaluated: 2018-11-02. Review status: no assertion criteria provided. Collection method: clinical testing. Allele origin: germline. Not counted in ClinVar's aggregate classification.

NM_000492.4(CFTR):c.2982C>A (p.Phe994Leu)

Genes: CFTR-AS2 (CFTR antisense RNA 2; minus strand), CFTR (CF transmembrane conductance regulator; plus strand). Cytogenetic location: 7q31.2.
Variant type: single nucleotide variant.
Coding change: c.2982C>A on transcript NM_000492.4 (MANE Select); coding-DNA position 2982, C replaced by A.
Protein change: p.Phe994Leu; replaces phenylalanine 994 with leucine.
Molecular consequence: missense variant.
Genome position (GRCh38, 1-based): chr7:117,606,747, C>A. VCF-style: chr7-117606747-C-A. GRCh37 (hg19) VCF-style: chr7-117246801-C-A.
Other names: short protein forms F994L.
Identifiers: ClinVar variation 822413 (VCV000822413.16), dbSNP rs373561883, ClinGen allele CA4451343.
Genomic context (GRCh38, chr7:117,606,747, plus strand): 5'-TAGATTCTCCAAAGATATAGCAATTTTGGATGACCTTCTGCCTCTTACCATATTTGACTT[C>A]ATCCAGGTATGTAAAAATAAGTACCGTTAAGTATGTCTGTATTATTAAAAAAACAATAAC-3'
Protein context (NP_000483.3, residues 984-1004): DDLLPLTIFD[Phe994Leu]IQLLLIVIGA